The following is an entry in ClinVar:

NM_014865.4(NCAPD2):c.1903A>C (p.Thr635Pro)

Gene: NCAPD2 (non-SMC condensin I complex subunit D2; plus strand). Cytogenetic location: 12p13.31.
Variant type: single nucleotide variant.
Coding change: c.1903A>C on transcript NM_014865.4 (MANE Select); coding-DNA position 1903, A replaced by C.
Protein change: p.Thr635Pro; replaces threonine 635 with proline.
Molecular consequence: missense variant.
Genome position (GRCh38, 1-based): chr12:6,521,986, A>C. VCF-style: chr12-6521986-A-C. GRCh37 (hg19) VCF-style: chr12-6631152-A-C.
Other names: c.1903A>C (NM_014865.3); short protein forms T635P.
Identifiers: ClinVar variation 2642616 (VCV002642616.25), dbSNP rs61751201, ClinGen allele CA6408529.
Genomic context (GRCh38, chr12:6,521,986, plus strand): 5'-GTGAAGCAGGAGATGCTGGTACAGTATCTGCAGGATGCCTACAGCTTCTCCCGGAAGATT[A>C]CAGAGGCCATTGGCATCATCAGCAAGATGATGTATGAAAACACAACTACAGGTATGCCAG-3'
Protein context (NP_055680.3, residues 625-645): QDAYSFSRKI[Thr635Pro]EAIGIISKMM

ClinVar aggregate classification (germline): Likely benign. Review status: criteria provided, single submitter (1 of 4 stars). 2 submissions from 2 submitters: Likely benign (1). 1 of the submissions does not count toward it. Last evaluated 2023-06-01.

Conditions:
NCAPD2-related disorder. Also called: NCAPD2-related condition.

Allele frequency attached by ClinVar (database versions not stated): gnomAD exomes 0.00032; ExAC 0.00086; 1000 Genomes Project 0.00240; ESP Exome Variant Server 0.00261; 1000 Genomes Project 30x 0.00265; gnomAD 0.00273; TOPMed 0.00297.
gnomAD v4.1: 891 of 1,614,208 alleles (0.055%); highest among the groups gnomAD compares: African/African-American, 0.92%; 4 homozygotes.

Submissions (2):

CeGaT Center for Human Genetics Tuebingen
Classification: Likely benign. Last evaluated: 2023-06-01. Review status: criteria provided, single submitter. Criteria: CeGaT Center For Human Genetics Tuebingen Variant Classification Criteria Version 2. Collection method: clinical testing. Allele origin: germline. Affected: yes. Observed: 1 variant allele.
Comment: NCAPD2: BP4, BS2

PreventionGenetics, part of Exact Sciences
Classification: Benign for NCAPD2-related condition. Last evaluated: 2019-12-30. Review status: no assertion criteria provided. Collection method: clinical testing. Allele origin: germline. Not counted in ClinVar's aggregate classification.
Comment: This variant is classified as benign based on ACMG/AMP sequence variant interpretation guidelines (Richards et al. 2015 PMID: 25741868, with internal and published modifications).